The following is an entry in ClinVar:

ClinVar aggregate classification (germline): Benign (3 of 4 stars; one submission).

Conditions:
Breast-ovarian cancer, familial, susceptibility to, 2 (BROVCA2). Also called: BRCA2 Hereditary Breast and Ovarian Cancer. Identifiers: Orphanet 145, MedGen C2675520, MONDO:0012933, OMIM 612555. Disease mechanism: loss of function.

Submission:

Evidence-based Network for the Interpretation of Germline Mutant Alleles (ENIGMA)
Classification: Benign for Breast-ovarian cancer, familial 2. Last evaluated: 2015-01-12. Review status: reviewed by expert panel. Criteria: ENIGMA BRCA1/2 Classification Criteria (2015). Collection method: curation. Allele origin: germline.
Comment: Class 1 not pathogenic based on frequency >1% in an outbred sampleset. Frequency 0.01423 (African), derived from 1000 genomes (2012-04-30).

NM_000059.4(BRCA2):c.8632+332T>A

Gene: BRCA2 (BRCA2 DNA repair associated; plus strand). Cytogenetic location: 13q13.1.
Variant type: single nucleotide variant.
Coding change: c.8632+332T>A on transcript NM_000059.4 (MANE Select); 332 bases into the intron after coding-DNA position 8632, T replaced by A.
Molecular consequence: intron variant.
Genome position (GRCh38, 1-based): chr13:32,371,432, T>A. VCF-style: chr13-32371432-T-A. GRCh37 (hg19) VCF-style: chr13-32945569-T-A.
Other names: IVS 20+332T>A.
Identifiers: ClinVar variation 209817 (VCV000209817.1), dbSNP rs184287231, ClinGen allele CA276785.